The following is an entry in ClinVar:

ClinVar aggregate classification (germline): Uncertain significance (1 of 4 stars; one submission).

Conditions:
MELAS syndrome (MELAS). Also called: Juvenile myopathy, encephalopathy, lactic acidosis, stroke. Identifiers: Orphanet 550, MedGen C0162671, MONDO:0010789, OMIM 540000.

Submission:

Wong Mito Lab, Molecular and Human Genetics, Baylor College of Medicine
Classification: Uncertain significance for MELAS syndrome. Last evaluated: 2019-07-12. Review status: criteria provided, single submitter. Criteria: Modified ACMG Guidelines (Unpublished). Collection method: clinical testing. Allele origin: germline.
Comment: The NC_012920.1:m.12202T>C variant in MT-TH gene is interpreted to be a Unknown Significance variant based on the modified ACMG guidelines (unpublished). This variant meets the following evidence codes reported in the guidelines: PP3, PP6

Literature cited by the submitters: PubMed 31965079.

NC_012920.1(MT-TH):m.12202T>C

Gene: MT-TH (mitochondrially encoded tRNA histidine; plus strand).
Variant type: single nucleotide variant.
Genome position: chrM-12202-T-C.
Identifiers: ClinVar variation 690155 (VCV000690155.1), dbSNP rs1603223613, ClinGen allele CA913169685.